The following is an entry in ClinVar:

NM_032444.4(SLX4):c.683C>T (p.Ser228Leu)

Gene: SLX4 (SLX4 structure-specific endonuclease subunit; minus strand). Cytogenetic location: 16p13.3.
Variant type: single nucleotide variant.
Coding change: c.683C>T on transcript NM_032444.4 (MANE Select); coding-DNA position 683, C replaced by T.
Protein change: p.Ser228Leu; replaces serine 228 with leucine.
Molecular consequence: missense variant.
Genome position (GRCh38, 1-based): chr16:3,606,551, G>A on the plus strand (C>T on the coding strand, the complement: SLX4 is on the minus strand). VCF-style: chr16-3606551-G-A. GRCh37 (hg19) VCF-style: chr16-3656552-G-A.
Other names: short protein forms S228L.
Identifiers: ClinVar variation 4749352 (VCV004749352.1).

ClinVar aggregate classification (germline): Uncertain significance (1 of 4 stars; one submission).

Conditions:
Fanconi anemia (FA). Also called: Fanconi's anemia. Identifiers: Orphanet 84, MedGen C0015625, MeSH D005199, MONDO:0019391.

gnomAD v4.1: 1 of 1,614,218 alleles (0.000062%); highest among the groups gnomAD compares: East Asian, 0.0022%; no homozygotes.

Submission:

Labcorp Genetics (formerly Invitae), Labcorp
Classification: Uncertain significance for Fanconi anemia. Last evaluated: 2025-03-17. Review status: criteria provided, single submitter. Criteria: Invitae Variant Classification Sherloc (09022015). Collection method: clinical testing. Allele origin: germline.
Comment: This sequence change replaces serine, which is neutral and polar, with leucine, which is neutral and non-polar, at codon 228 of the SLX4 protein (p.Ser228Leu). This variant is present in population databases (rs774244807, gnomAD 0.006%). This variant has not been reported in the literature in individuals affected with SLX4-related conditions. An algorithm developed to predict the effect of missense changes on protein structure and function (PolyPhen-2) suggests that this variant is likely to be disruptive. In summary, the available evidence is currently insufficient to determine the role of this variant in disease. Therefore, it has been classified as a Variant of Uncertain Significance.